The following is an entry in ClinVar:

NM_018008.4(FEZF2):c.1304_1305del (p.His435fs)

Gene: FEZF2 (FEZ family zinc finger 2; minus strand). Cytogenetic location: 3p14.2.
Variant type: Deletion.
Coding change: c.1304_1305del on transcript NM_018008.4 (MANE Select); coding-DNA positions 1304 to 1305, 2 bases deleted (AT; older notation c.1304_1305delAT).
Protein change: p.His435fs; shifts the reading frame from histidine 435.
Molecular consequence: frameshift variant.
Genome position (GRCh38, 1-based): chr3:62,370,158-62,370,159, AT deleted on the plus strand (AT on the coding strand, the reverse complement: FEZF2 is on the minus strand). VCF-style (leftmost placement, unchanged base first): chr3-62370157-CAT-C. GRCh37 (hg19) VCF-style: chr3-62355832-CAT-C.
Other names: short protein forms H435fs.
Identifiers: ClinVar variation 3365468 (VCV003365468.1).

ClinVar aggregate classification (germline): Uncertain significance (1 of 4 stars; one submission).

Submission:

GeneDx
Classification: Uncertain significance. Last evaluated: 2023-12-15. Review status: criteria provided, single submitter. Criteria: GeneDx Variant Classification Process June 2021. Collection method: clinical testing. Allele origin: germline. Affected: yes.
Comment: Frameshift variant predicted to result in abnormal protein length as the last 25 amino acids are replaced with 19 different amino acids in a gene for which loss-of-function is not an established mechanism of disease; Not observed at significant frequency in large population cohorts (gnomAD); Has not been previously published as pathogenic or benign to our knowledge; Variants in candidate genes are classified as variants of uncertain significance in accordance with ACMG guidelines (PMID: 25741868)